The following is an entry in ClinVar:

NM_006245.4(PPP2R5D):c.540C>G (p.Phe180Leu)

Gene: PPP2R5D (protein phosphatase 2 regulatory subunit B'delta; plus strand). Cytogenetic location: 6p21.1.
Variant type: single nucleotide variant.
Coding change: c.540C>G on transcript NM_006245.4 (MANE Select); coding-DNA position 540, C replaced by G.
Protein change: p.Phe180Leu; replaces phenylalanine 180 with leucine.
Molecular consequence: missense variant.
Genome position (GRCh38, 1-based): chr6:43,007,213, C>G. VCF-style: chr6-43007213-C-G. GRCh37 (hg19) VCF-style: chr6-42974951-C-G.
Other names: c.540C>G (NM_006245.2); c.87C>G, p.Phe29Leu (NM_001270476.2); c.444C>G, p.Phe148Leu (NM_180976.3); c.222C>G, p.Phe74Leu (NM_180977.3); short protein forms F180L, F29L, F74L, F148L.
Identifiers: ClinVar variation 2905706 (VCV002905706.5), dbSNP rs1191089174, ClinGen allele CA364184450.

ClinVar aggregate classification (germline): Uncertain significance. Review status: criteria provided, multiple submitters, no conflicts (2 of 4 stars). 3 submissions from 3 submitters: Uncertain significance (3). Last evaluated 2025-12-11.

Conditions:
Inborn genetic diseases. Identifiers: MedGen C0950123, MeSH D030342.

Allele frequency attached by ClinVar (database versions not stated): TOPMed below 0.00001; gnomAD 0.00001; gnomAD exomes 0.00002.
gnomAD v4.1: 31 of 1,614,028 alleles (0.0019%); highest among the groups gnomAD compares: Non-Finnish European, 0.0025%; no homozygotes.

Submissions (3):

Ambry Genetics
Classification: Uncertain significance for Inborn genetic diseases. Last evaluated: 2025-12-11. Review status: criteria provided, single submitter. Criteria: Ambry Variant Classification Scheme 2023. Collection method: clinical testing. Allele origin: germline.

Labcorp Genetics (formerly Invitae), Labcorp
Classification: Uncertain significance. Last evaluated: 2025-06-04. Review status: criteria provided, single submitter. Criteria: Invitae Variant Classification Sherloc (09022015). Collection method: clinical testing. Allele origin: germline.
Comment: This sequence change replaces phenylalanine, which is neutral and non-polar, with leucine, which is neutral and non-polar, at codon 180 of the PPP2R5D protein (p.Phe180Leu). This variant is present in population databases (no rsID available, gnomAD 0.0009%). This variant has not been reported in the literature in individuals affected with PPP2R5D-related conditions. ClinVar contains an entry for this variant (Variation ID: 2905706). An algorithm developed to predict the effect of missense changes on protein structure and function (PolyPhen-2) suggests that this variant is likely to be disruptive. In summary, the available evidence is currently insufficient to determine the role of this variant in disease. Therefore, it has been classified as a Variant of Uncertain Significance.

Blueprint Genetics
Classification: Uncertain significance. Last evaluated: 2024-10-18. Review status: criteria provided, single submitter. Criteria: ACMG Guidelines, 2015. Collection method: clinical testing. Allele origin: germline.